The following is an entry in ClinVar:

ClinVar aggregate classification (germline): Uncertain significance (1 of 4 stars; one submission).

Conditions:
Cystic fibrosis (CF). Also called: MUCOVISCIDOSIS. Identifiers: Orphanet 586, MedGen C0010674, MONDO:0009061, OMIM 219700. Disease mechanism: loss of function.

Submission:

Ambry Genetics
Classification: Uncertain significance for Cystic fibrosis. Last evaluated: 2024-08-10. Review status: criteria provided, single submitter. Criteria: Ambry Variant Classification Scheme 2023. Collection method: clinical testing. Allele origin: germline.
Comment: The p.R31P variant (also known as c.92G>C), located in coding exon 2 of the CFTR gene, results from a G to C substitution at nucleotide position 92. The arginine at codon 31 is replaced by proline, an amino acid with dissimilar properties. This amino acid position is not well conserved in available vertebrate species. In addition, the in silico prediction for this alteration is inconclusive. Based on the available evidence, the clinical significance of this variant remains unclear.

NM_000492.4(CFTR):c.92G>C (p.Arg31Pro)

Gene: CFTR (CF transmembrane conductance regulator; plus strand). Cytogenetic location: 7q31.2.
Variant type: single nucleotide variant.
Coding change: c.92G>C on transcript NM_000492.4 (MANE Select); coding-DNA position 92, G replaced by C.
Protein change: p.Arg31Pro; replaces arginine 31 with proline.
Molecular consequence: missense variant.
Genome position (GRCh38, 1-based): chr7:117,504,291, G>C. VCF-style: chr7-117504291-G-C. GRCh37 (hg19) VCF-style: chr7-117144345-G-C.
Other names: short protein forms R31P.
Identifiers: ClinVar variation 3491635 (VCV003491635.1).